The following is an entry in ClinVar:

ClinVar aggregate classification (germline): Uncertain significance (1 of 4 stars; one submission).

Submission:

GeneDx
Classification: Uncertain significance. Last evaluated: 2025-05-05. Review status: criteria provided, single submitter. Criteria: GeneDx Variant Classification Process June 2021. Collection method: clinical testing. Allele origin: germline. Affected: yes.
Comment: In silico analysis supports that this missense variant has a deleterious effect on protein structure/function; Has not been previously published as pathogenic or benign to our knowledge

NM_001373.1:c.2771G>C

Gene: DNAH14 (dynein axonemal heavy chain 14; plus strand).
Variant type: single nucleotide variant.
Identifiers: ClinVar variation 4527821 (VCV004527821.1).